The following is an entry in ClinVar:

NM_003072.5(SMARCA4):c.474C>T (p.Asp158=)

Gene: SMARCA4 (SWI/SNF related BAF chromatin remodeling complex subunit ATPase 4; plus strand). Cytogenetic location: 19p13.2.
Variant type: single nucleotide variant.
Coding change: c.474C>T on transcript NM_003072.5 (MANE Select); coding-DNA position 474, C replaced by T.
Protein change: p.Asp158=; no amino-acid change (aspartic acid 158 retained).
Molecular consequence: synonymous variant. On other transcripts: non-coding transcript variant (1).
Genome position (GRCh38, 1-based): chr19:10,986,307, C>T. VCF-style: chr19-10986307-C-T. GRCh37 (hg19) VCF-style: chr19-11096983-C-T.
Other names: c.474C>T, p.Asp158= (NM_001128844.3, NM_001128845.2, NM_001128846.2 and 4 more transcripts).
Identifiers: ClinVar variation 703679 (VCV000703679.13), dbSNP rs1599950027, ClinGen allele CA505743874.

ClinVar aggregate classification (germline): Likely benign. Review status: criteria provided, multiple submitters, no conflicts (2 of 4 stars). 3 submissions from 3 submitters: Likely benign (2). 1 of the submissions does not count toward it. Last evaluated 2023-08-28.

Conditions:
SMARCA4-related disorder. Also called: SMARCA4-related condition.
Hereditary cancer-predisposing syndrome. Also called: Hereditary Cancer Syndrome; Tumor predisposition; Neoplastic Syndromes, Hereditary; Hereditary neoplastic syndrome. Identifiers: Orphanet 140162, MedGen C0027672, MeSH D009386, MONDO:0015356.
Rhabdoid tumor predisposition syndrome 2 (RTPS2). Identifiers: Orphanet 231108, Orphanet 69077, MedGen C2750074, MONDO:0013224, OMIM 613325.

Submissions (3):

Labcorp Genetics (formerly Invitae), Labcorp
Classification: Likely benign for Rhabdoid tumor predisposition syndrome 2. Last evaluated: 2023-08-28. Review status: criteria provided, single submitter. Criteria: Invitae Variant Classification Sherloc (09022015). Collection method: clinical testing. Allele origin: germline.

Ambry Genetics
Classification: Likely benign for Hereditary cancer-predisposing syndrome. Last evaluated: 2021-07-19. Review status: criteria provided, single submitter. Criteria: Ambry Variant Classification Scheme 2023. Collection method: clinical testing. Allele origin: germline.

PreventionGenetics, part of Exact Sciences
Classification: Likely benign for SMARCA4-related condition. Last evaluated: 2024-05-03. Review status: no assertion criteria provided. Collection method: clinical testing. Allele origin: germline. Not counted in ClinVar's aggregate classification.
Comment: This variant is classified as likely benign based on ACMG/AMP sequence variant interpretation guidelines (Richards et al. 2015 PMID: 25741868, with internal and published modifications).